The following is an entry in ClinVar:

NM_001267550.2(TTN):c.19148-19A>G

Gene: TTN (titin; minus strand). Cytogenetic location: 2q31.2.
Variant type: single nucleotide variant.
Coding change: c.19148-19A>G on transcript NM_001267550.2 (MANE Select); 19 bases into the intron before coding-DNA position 19148, A replaced by G.
Molecular consequence: intron variant.
Genome position (GRCh38, 1-based): chr2:178,728,797, T>C on the plus strand (A>G on the coding strand, the complement: TTN is on the minus strand). VCF-style: chr2-178728797-T-C. GRCh37 (hg19) VCF-style: chr2-179593524-T-C.
Other names: c.13282+9285A>G (NM_003319.4); c.13858+9285A>G (NM_133437.4); c.13657+9285A>G (NM_133432.3); c.15416-19A>G (NM_133378.4); c.18197-19A>G (NM_001256850.1).
Identifiers: ClinVar variation 381325 (VCV000381325.7), dbSNP rs760577918, ClinGen allele CA2001452.

ClinVar aggregate classification (germline): Likely benign. Review status: criteria provided, multiple submitters, no conflicts (2 of 4 stars). 3 submissions from 3 submitters: Likely benign (3). Last evaluated 2026-01-16.

Conditions:
Autosomal recessive limb-girdle muscular dystrophy type 2J (LGMDR10). Also called: MUSCULAR DYSTROPHY, LIMB-GIRDLE, AUTOSOMAL RECESSIVE 10; Limb-girdle muscular dystrophy, type 2J. Identifiers: Orphanet 140922, MedGen C1837342, MONDO:0012127, OMIM 608807.
Dilated cardiomyopathy 1G (CMD1G). Identifiers: Orphanet 154, MedGen C1858763, MONDO:0011400, OMIM 604145.

Allele frequency attached by ClinVar (database versions not stated): gnomAD exomes 0.00002 and 0.00006; TOPMed 0.00002; ExAC 0.00004; gnomAD 0.00004.
gnomAD v4.1: 34 of 1,587,572 alleles (0.0021%); highest among the groups gnomAD compares: East Asian, 0.043%; no homozygotes.

Submissions (3):

Labcorp Genetics (formerly Invitae), Labcorp
Classification: Likely benign for Dilated cardiomyopathy 1G; Autosomal recessive limb-girdle muscular dystrophy type 2J. Last evaluated: 2026-01-16. Review status: criteria provided, single submitter. Criteria: Invitae Variant Classification Sherloc (09022015). Collection method: clinical testing. Allele origin: germline.

Blueprint Genetics
Classification: Likely benign. Last evaluated: 2024-03-04. Review status: criteria provided, single submitter. Criteria: ACMG Guidelines, 2015. Collection method: clinical testing. Allele origin: germline.

GeneDx
Classification: Likely benign. Last evaluated: 2016-11-08. Review status: criteria provided, single submitter. Criteria: GeneDx Variant Classification (06012015). Collection method: clinical testing. Allele origin: germline. Affected: yes.
Comment: This variant is considered likely benign or benign based on one or more of the following criteria: it is a conservative change, it occurs at a poorly conserved position in the protein, it is predicted to be benign by multiple in silico algorithms, and/or has population frequency not consistent with disease.